The following is an entry in ClinVar:

ClinVar aggregate classification (germline): Conflicting classifications of pathogenicity. Review status: criteria provided, conflicting classifications (1 of 4 stars). 11 submissions from 11 submitters: Uncertain significance (1); Benign (2); Likely benign (3). 5 of the submissions do not count toward it. Last evaluated 2026-06-01.

Conditions:
PKD1-related disorder. Also called: PKD1-related condition.
Polycystic kidney disease, adult type (PKD1). Also called: POLYCYSTIC KIDNEY DISEASE, ADULT, TYPE I; POLYCYSTIC KIDNEY DISEASE 1 WITH OR WITHOUT POLYCYSTIC LIVER DISEASE; Polycystic Kidney, Autosomal Dominant; Polycystic Kidney Disease 1, Autosomal Dominant; Polycystic kidney disease 1; Polycystic kidney disease 1, severe. Identifiers: MedGen C3149841, MONDO:0008263, OMIM 173900.
Polycystic kidney disease. Also called: Kidney, Polycystic; Polycystic kidney dysplasia. Identifiers: MedGen C0022680, MeSH D007690, MONDO:0020642, HP:0000113.

Allele frequency attached by ClinVar (database versions not stated): 1000 Genomes Project 0.00100; 1000 Genomes Project 30x 0.00125; TOPMed 0.00274; gnomAD 0.00340 and 0.00351.
gnomAD v4.1: 5,097 of 1,595,092 alleles (0.32%); highest among the groups gnomAD compares: Non-Finnish European, 0.38%; 22 homozygotes.

Submissions (11):

CeGaT Center for Human Genetics Tuebingen
Classification: Benign. Last evaluated: 2026-06-01. Review status: criteria provided, single submitter. Criteria: CeGaT Center For Human Genetics Tuebingen Variant Classification Criteria Version 2. Collection method: clinical testing. Allele origin: germline. Affected: yes. Observed: 35 variant alleles.
Comment: PKD1: BP4, BS1, BS2

Women's Health and Genetics/Laboratory Corporation of America, LabCorp
Classification: Likely benign. Last evaluated: 2025-06-16. Review status: criteria provided, single submitter. Criteria: LabCorp Variant Classification Summary - May 2015. Collection method: clinical testing. Allele origin: germline.
Comment: Variant summary: PKD1 c.971G>T (p.Arg324Leu) results in a non-conservative amino acid change located in the PKD domain (IPR000601) of the encoded protein sequence. Algorithms developed to predict the effect of missense changes on protein structure and function are either unavailable or do not agree on the potential impact of this missense change. The variant allele was found at a frequency of 0.0025 in 190410 control chromosomes, predominantly at a frequency of 0.0042 within the Non-Finnish European subpopulation in the gnomAD database, including 1 homozygotes. The observed variant frequency within Non-Finnish European control individuals in the gnomAD database exceeds the estimated maximal expected allele frequency for a pathogenic variant in PKD1 causing PKD1-Biallelic Autosomal Recessive Polycystic Kidney Disease phenotype. c.971G>T has been observed in individual(s) affected with PKD1-Biallelic Autosomal Recessive Polycystic Kidney Disease. These report(s) do not provide unequivocal conclusions about association of the variant with PKD1-Biallelic Autosomal Recessive Polycystic Kidney Disease. One publication reports experimental evidence evaluating an impact on protein function, however, does not allow convincing conclusions about the variant effect. ClinVar contains an entry for this variant (Variation ID: 8205). Based on the evidence outlined above, the variant was classified as likely benign.

Blueprint Genetics
Classification: Likely benign. Last evaluated: 2024-11-23. Review status: criteria provided, single submitter. Criteria: ACMG Guidelines, 2015. Collection method: clinical testing. Allele origin: germline.

GeneDx
Classification: Likely benign. Last evaluated: 2020-09-15. Review status: criteria provided, single submitter. Criteria: GeneDx Variant Classification Process June 2021. Collection method: clinical testing. Allele origin: germline. Affected: yes.
Comment: This variant is associated with the following publications: (PMID: 10364515, 12662927, 27499327, 19759016, 21115670, 17582161)

ARUP Laboratories, Molecular Genetics and Genomics, ARUP Laboratories
Classification: Benign for Polycystic kidney disease, adult type. Last evaluated: 2019-04-19. Review status: criteria provided, single submitter. Criteria: ARUP Molecular Germline Variant Investigation Process. Collection method: clinical testing. Allele origin: germline.

Centre for Mendelian Genomics, University Medical Centre Ljubljana
Classification: Uncertain significance for Polycystic kidney disease, adult type. Last evaluated: 2016-01-01. Review status: criteria provided, single submitter. Criteria: ACMG Guidelines, 2015. Collection method: clinical testing. Allele origin: unknown. Affected: yes.
Comment: This variant was classified as: Uncertain significance. The following ACMG criteria were applied in classifying this variant: PS1,PP3,PP4,BP6,BS2.

Genetic Services Laboratory, University of Chicago
Classification: Likely benign. Last evaluated: 2022-11-03. Review status: no assertion criteria provided. Collection method: clinical testing. Allele origin: germline. Affected: no. Not counted in ClinVar's aggregate classification.

PreventionGenetics, part of Exact Sciences
Classification: Benign for PKD1-related condition. Last evaluated: 2020-09-14. Review status: no assertion criteria provided. Collection method: clinical testing. Allele origin: germline. Not counted in ClinVar's aggregate classification.
Comment: This variant is classified as benign based on ACMG/AMP sequence variant interpretation guidelines (Richards et al. 2015 PMID: 25741868, with internal and published modifications).

Reproductive Health Research and Development, BGI Genomics
Classification: Uncertain significance for Polycystic kidney disease, adult type. Last evaluated: 2020-01-06. Review status: no assertion criteria provided. Collection method: curation. Allele origin: germline. Not counted in ClinVar's aggregate classification.
Comment: NM_001009944.2:c.971G>T in the PKD1 gene has an allele frequency of 0.006 in European (Finnish) subpopulation in the gnomAD database. This variant has been detected in a individual with autosomal dominant polycystic kidney disease (PMID: 10364515). Benign computational verdict because benign predictions from DEOGEN2, EIGEN, FATHMM-MKL, PrimateAI and SIFT. As a dominant inheritance manner, a total of 626 allleles was detected in gnomAD database which is a evidence to against its pathogenicity, although the adult-onset should be considered. We interpret it as variant of uncertain significance (VUS). ACMG/AMP criteria applied: PP4, BP4.

OMIM
Classification: Pathogenic for POLYCYSTIC KIDNEY DISEASE 1. Last evaluated: 1999-07-01. Review status: no assertion criteria provided. Collection method: literature only. Allele origin: germline. Not counted in ClinVar's aggregate classification.

Department of Pathology and Laboratory Medicine, Sinai Health System
Classification: Benign for Polycystic Kidney disease. Review status: no assertion criteria provided. Collection method: clinical testing. Allele origin: unknown. Affected: yes. Study: The Canadian Open Genetics Repository (COGR). Not counted in ClinVar's aggregate classification.
Comment: The PKD1 p.Arg324Leu variant was identified in 6 of 720 proband chromosomes (frequency: 0.008) from individuals or families with ADPKD (Thomas 1999, Hoefele 2011, Rossetti 2007). The variant was also identified in dbSNP (ID: rs199476099) as â€šÃ„ÃºWith Pathogenic alleleâ€šÃ„Ã¹, Clinvitae (classified as pathogenic by ClinVar), ClinVar (classified as pathogenic by OMIM), MutDB, ADPKD Mutation Database (classified as likely neutral), and PKD1-LOVD 3.0 (probably does not affect function). This variant was identified in the 1000 Genomes Project in 5 of 5000 chromosomes (frequency: 0.001), the NHLBI GO Exome Sequencing Project in 17 of 7568 European American and in 1 of 3614 African American alleles, the genome Aggregation Database (beta, October 19th 2016) in 501 (1 homozygous) of 192856 chromosomes (freq. 0.003), the Exome Aggregation Consortium database (August 8th 2016) in 157 (1 homozygous) of 24970 chromosomes (freq. 0.006) in the following populations: European in 139 of 11896 chromosomes (freq. 0.01), Finnish in 9 of 402 chromosomes (freq. 0.02), Latino in 6 of 1292 chromosomes (freq. 0.004), African in 2 of 1452 chromosomes (freq. 0.001), Other in 1 of 204 chromosomes (freq. 0.005), increasing the likelihood this could be a low frequency benign variant. The p.Arg324 residue is not conserved in mammals and computational analyses (PolyPhen-2, SIFT, AlignGVGD, BLOSUM, MutationTaster) provide inconsistent predictions regarding the impact to the protein; this information is not very predictive of pathogenicity. The variant occurs outside of the splicing consensus sequence and in silico or computational prediction software programs (SpliceSiteFinder, MaxEntScan, NNSPLICE, GeneSplicer, HumanSpliceFinder) do not predict a difference in splicing. In addition, the variant was identified with an unspecified co-occurring pathogenic variant increasing the likelihood that the p.Arg324Leu variant does not have clinical significance (Rossetti 2007). In summary, based on the above information, this variant is classified as benign.

Literature cited by the submitters: PubMed 31738409 (cited by Women's Health and Genetics/Laboratory Corporation of America, LabCorp); PubMed 27499327 (cited by Women's Health and Genetics/Laboratory Corporation of America, LabCorp); PubMed 19759016 (cited by Women's Health and Genetics/Laboratory Corporation of America, LabCorp); PubMed 32512653 (cited by Women's Health and Genetics/Laboratory Corporation of America, LabCorp); PubMed 10364515 (cited by Women's Health and Genetics/Laboratory Corporation of America, LabCorp and OMIM).

NM_001009944.3(PKD1):c.971G>T (p.Arg324Leu)

Gene: PKD1 (polycystin 1, transient receptor potential channel interacting; minus strand). Cytogenetic location: 16p13.3.
Variant type: single nucleotide variant.
Coding change: c.971G>T on transcript NM_001009944.3 (MANE Select); coding-DNA position 971, G replaced by T.
Protein change: p.Arg324Leu; replaces arginine 324 with leucine.
Molecular consequence: missense variant.
Genome position (GRCh38, 1-based): chr16:2,118,021, C>A on the plus strand (G>T on the coding strand, the complement: PKD1 is on the minus strand). VCF-style: chr16-2118021-C-A. GRCh37 (hg19) VCF-style: chr16-2168022-C-A.
Other names: c.971G>T, p.Arg324Leu (NM_000296.4); short protein forms R324L.
Identifiers: ClinVar variation 8205 (VCV000008205.64), dbSNP rs199476099, ClinGen allele CA119379.